The following is an entry in ClinVar:

ClinVar aggregate classification (germline): Uncertain significance. Review status: criteria provided, multiple submitters, no conflicts (2 of 4 stars). 2 submissions from 2 submitters: Uncertain significance (2). Last evaluated 2025-02-25.

Conditions:
Inborn genetic diseases. Identifiers: MedGen C0950123, MeSH D030342.

Allele frequency attached by ClinVar (database versions not stated): ExAC 0.00001; gnomAD exomes 0.00002; TOPMed 0.00002.

Submissions (2):

Ambry Genetics
Classification: Uncertain significance for Inborn genetic diseases. Last evaluated: 2025-02-25. Review status: criteria provided, single submitter. Criteria: Ambry Variant Classification Scheme 2023. Collection method: clinical testing. Allele origin: germline.

Labcorp Genetics (formerly Invitae), Labcorp
Classification: Uncertain significance. Last evaluated: 2024-06-05. Review status: criteria provided, single submitter. Criteria: Invitae Variant Classification Sherloc (09022015). Collection method: clinical testing. Allele origin: germline.
Comment: This sequence change replaces threonine, which is neutral and polar, with isoleucine, which is neutral and non-polar, at codon 162 of the FGF12 protein (p.Thr162Ile). This variant is present in population databases (rs201017047, gnomAD 0.003%). This variant has not been reported in the literature in individuals affected with FGF12-related conditions. ClinVar contains an entry for this variant (Variation ID: 2160681). Advanced modeling of protein sequence and biophysical properties (such as structural, functional, and spatial information, amino acid conservation, physicochemical variation, residue mobility, and thermodynamic stability) performed at Invitae indicates that this missense variant is not expected to disrupt FGF12 protein function with a negative predictive value of 80%. In summary, the available evidence is currently insufficient to determine the role of this variant in disease. Therefore, it has been classified as a Variant of Uncertain Significance.

NM_004113.6(FGF12):c.299C>T (p.Thr100Ile)

Gene: FGF12 (fibroblast growth factor 12; minus strand). Cytogenetic location: 3q28.
Variant type: single nucleotide variant.
Coding change: c.299C>T on transcript NM_004113.6 (MANE Select); coding-DNA position 299, C replaced by T.
Protein change: p.Thr100Ile; replaces threonine 100 with isoleucine.
Molecular consequence: missense variant.
Genome position (GRCh38, 1-based): chr3:192,170,586, G>A on the plus strand (C>T on the coding strand, the complement: FGF12 is on the minus strand). VCF-style: chr3-192170586-G-A. GRCh37 (hg19) VCF-style: chr3-191888375-G-A.
Other names: c.485C>T (NM_021032.4); c.188C>T, p.Thr63Ile (NM_001377292.1); c.227C>T, p.Thr76Ile (NM_001377293.1, NM_001377294.1); c.485C>T, p.Thr162Ile (NM_021032.5); short protein forms T162I, T63I, T76I, T100I.
Identifiers: ClinVar variation 2160681 (VCV002160681.5), dbSNP rs201017047, ClinGen allele CA2755744.